The following is an entry in ClinVar:

ClinVar aggregate classification (germline): Uncertain significance (1 of 4 stars; one submission).

Conditions:
Lissencephaly type 1 due to doublecortin gene mutation. Also called: LISSENCEPHALY AND AGENESIS OF CORPUS CALLOSUM; LISSENCEPHALY, X-LINKED, 1. Identifiers: Orphanet 2148, MedGen C4551968, MONDO:0010239, OMIM 300067.

Submission:

Juno Genomics, Hangzhou Juno Genomics, Inc
Classification: Uncertain significance for Lissencephaly type 1 due to doublecortin gene mutation. Review status: criteria provided, single submitter. Criteria: ACMG Guidelines, 2015. Collection method: clinical testing. Allele origin: germline.
Comment: Absent from controls (or at extremely low frequency if recessive) in Genome Aggregation Database.;Novel missense change at an amino acid residue where a different missense change determined to be pathogenic has been seen before.

NM_001195553.2(DCX):c.706G>A (p.Val236Ile)

Gene: DCX (doublecortin; minus strand). Cytogenetic location: Xq23.
Variant type: single nucleotide variant.
Coding change: c.706G>A on transcript NM_001195553.2 (MANE Select); coding-DNA position 706, G replaced by A.
Protein change: p.Val236Ile; replaces valine 236 with isoleucine.
Molecular consequence: missense variant.
Genome position (GRCh38, 1-based): chrX:111,333,153, C>T on the plus strand (G>A on the coding strand, the complement: DCX is on the minus strand). VCF-style: chrX-111333153-C-T. GRCh37 (hg19) VCF-style: chrX-110576381-C-T.
Other names: c.706G>A, p.Val236Ile (NM_001369370.1, NM_001369371.1, NM_001369372.1 and 6 more transcripts); c.949G>A, p.Val317Ile (NM_000555.3); short protein forms V236I, V317I.
Identifiers: ClinVar variation 5007494 (VCV005007494.2).
Genomic context (GRCh38, chrX:111,333,153, plus strand): 5'-TTTCAGGACCACAGGCAATAAACACATCATCATCACCAAAGAAATCATGGAGACAAGTTA[C>T]CTATGGAGAAAGCAGAAACACTGATTGTATATGATGGTCCTGTGACAATGAACCTCACAC-3'
Protein context (NP_001182482.1, residues 226-246): KKLYTLDGKQ[Val236Ile]TCLHDFFGDD